The following is an entry in ClinVar:

ClinVar aggregate classification (germline): Uncertain significance (1 of 4 stars; one submission).

Submission:

Labcorp Genetics (formerly Invitae), Labcorp
Classification: Uncertain significance. Last evaluated: 2025-09-29. Review status: criteria provided, single submitter. Criteria: Invitae Variant Classification Sherloc (09022015). Collection method: clinical testing. Allele origin: germline.
Comment: This sequence change falls in intron 2 of the TNFSF11 gene. It does not directly change the encoded amino acid sequence of the TNFSF11 protein. Information on the frequency of this variant in the gnomAD database is not available, as this variant may be reported differently in the database. This variant has not been reported in the literature in individuals affected with TNFSF11-related conditions. ClinVar contains an entry for this variant (Variation ID: 1926500). Experimental studies and prediction algorithms are not available or were not evaluated, and the effect of this variant on mRNA splicing is currently unknown. In summary, the available evidence is currently insufficient to determine the role of this variant in disease. Therefore, it has been classified as a Variant of Uncertain Significance.

NM_003701.4(TNFSF11):c.387+13_387+14delinsGA

Genes: TNFSF11 (TNF superfamily member 11; plus strand), LOC126861752 (BRD4-independent group 4 enhancer GRCh37_chr13:43155073-43156272; plus strand). Cytogenetic location: 13q14.11.
Variant type: Indel.
Coding change: c.387+13_387+14delinsGA on transcript NM_003701.4 (MANE Select); bases 13 to 14 of the intron after coding-DNA position 387, CG replaced by GA.
Molecular consequence: intron variant.
Genome position (GRCh38, 1-based): chr13:42,581,306-42,581,307, CG replaced by GA. VCF-style: chr13-42581306-CG-GA. GRCh37 (hg19) VCF-style: chr13-43155442-CG-GA.
Other names: c.168+13_168+14delinsGA (NM_033012.4).
Identifiers: ClinVar variation 1926500 (VCV001926500.3), dbSNP rs2500712910, ClinGen allele CA2580087525.